The following is an entry in ClinVar:

ClinVar aggregate classification (germline): Benign. Review status: criteria provided, multiple submitters, no conflicts (2 of 4 stars). 3 submissions from 3 submitters: Benign (2). 1 of the submissions does not count toward it. Last evaluated 2025-12-15.

Conditions:
CAPN5-related disorder. Also called: CAPN5-related condition.

Allele frequency attached by ClinVar (database versions not stated): gnomAD exomes 0.00013 and 0.00052; gnomAD 0.00016 and 0.00018; TOPMed 0.00034; ExAC 0.00053; 1000 Genomes Project 30x 0.00062; 1000 Genomes Project 0.00080.
gnomAD v4.1: 298 of 1,614,118 alleles (0.018%); highest among the groups gnomAD compares: East Asian, 0.45%; 4 homozygotes.

Submissions (3):

Labcorp Genetics (formerly Invitae), Labcorp
Classification: Benign. Last evaluated: 2025-12-15. Review status: criteria provided, single submitter. Criteria: Invitae Variant Classification Sherloc (09022015). Collection method: clinical testing. Allele origin: germline.

Blueprint Genetics
Classification: Benign. Last evaluated: 2024-11-20. Review status: criteria provided, single submitter. Criteria: ACMG Guidelines, 2015. Collection method: clinical testing. Allele origin: germline.

PreventionGenetics, part of Exact Sciences
Classification: Benign for CAPN5-related condition. Last evaluated: 2019-06-20. Review status: no assertion criteria provided. Collection method: clinical testing. Allele origin: germline. Not counted in ClinVar's aggregate classification.
Comment: This variant is classified as benign based on ACMG/AMP sequence variant interpretation guidelines (Richards et al. 2015 PMID: 25741868, with internal and published modifications).

NM_004055.5(CAPN5):c.336A>G (p.Glu112=)

Gene: CAPN5 (calpain 5; plus strand). Cytogenetic location: 11q13.5.
Variant type: single nucleotide variant.
Coding change: c.336A>G on transcript NM_004055.5 (MANE Select); coding-DNA position 336, A replaced by G.
Protein change: p.Glu112=; no amino-acid change (glutamic acid 112 retained).
Molecular consequence: synonymous variant.
Genome position (GRCh38, 1-based): chr11:77,112,627, A>G. VCF-style: chr11-77112627-A-G. GRCh37 (hg19) VCF-style: chr11-76823673-A-G.
Other names: c.336A>G (NM_004055.4).
Identifiers: ClinVar variation 1165360 (VCV001165360.12), dbSNP rs200994438, ClinGen allele CA6196414.
Genomic context (GRCh38, chr11:77,112,627, plus strand): 5'-TATCCCCCCTCCCCCTACCCAGGTCATCCCAGACTGGAAGGAGCAGGAATGGGACCCCGA[A>G]AAGCCCAACGCCTACGCGGGCATCTTCCACTTCCACTTCTGGCGCTTCGGGGAATGGGTG-3'
Protein context (NP_004046.2, residues 102-122): PDWKEQEWDP[Glu112=]KPNAYAGIFH